The following is an entry in ClinVar:

ClinVar aggregate classification (germline): Uncertain significance. Review status: criteria provided, multiple submitters, no conflicts (2 of 4 stars). 3 submissions from 3 submitters: Uncertain significance (3). Last evaluated 2026-01-15.

Conditions:
Inborn genetic diseases. Identifiers: MedGen C0950123, MeSH D030342.
Autoinflammatory syndrome. Identifiers: Orphanet 93665, MedGen C3890737, MONDO:0019751.
Familial cold autoinflammatory syndrome 4 (FCAS4). Identifiers: Orphanet 47045, Orphanet 576349, MedGen C4015276, MONDO:0014498, OMIM 616115.
Periodic fever-infantile enterocolitis-autoinflammatory syndrome. Also called: Autoinflammation with infantile enterocolitis. Identifiers: Orphanet 436166, MedGen C4015067, MONDO:0014472, OMIM 616050.

Allele frequency attached by ClinVar (database versions not stated): gnomAD exomes below 0.00001 and 0.00001; ExAC 0.00001.
gnomAD v4.1: 3 of 1,614,134 alleles (0.00019%); highest among the groups gnomAD compares: East Asian, 0.0067%; no homozygotes.

Submissions (3):

Labcorp Genetics (formerly Invitae), Labcorp
Classification: Uncertain significance for Periodic fever-infantile enterocolitis-autoinflammatory syndrome; Familial cold autoinflammatory syndrome 4. Last evaluated: 2026-01-15. Review status: criteria provided, single submitter. Criteria: Invitae Variant Classification Sherloc (09022015). Collection method: clinical testing. Allele origin: germline.
Comment: This sequence change replaces valine, which is neutral and non-polar, with isoleucine, which is neutral and non-polar, at codon 906 of the NLRC4 protein (p.Val906Ile). This variant is present in population databases (rs745846903, gnomAD 0.01%). This variant has not been reported in the literature in individuals affected with NLRC4-related conditions. ClinVar contains an entry for this variant (Variation ID: 1694375). Invitae Evidence Modeling of protein sequence and biophysical properties (such as structural, functional, and spatial information, amino acid conservation, physicochemical variation, residue mobility, and thermodynamic stability) indicates that this missense variant is not expected to disrupt NLRC4 protein function with a negative predictive value of 80%. In summary, the available evidence is currently insufficient to determine the role of this variant in disease. Therefore, it has been classified as a Variant of Uncertain Significance.

Ambry Genetics
Classification: Uncertain significance for Inborn genetic diseases. Last evaluated: 2024-02-05. Review status: criteria provided, single submitter. Criteria: Ambry Variant Classification Scheme 2023. Collection method: clinical testing. Allele origin: germline.

Genome Diagnostics Laboratory, The Hospital for Sick Children
Classification: Uncertain significance for Autoinflammatory syndrome. Last evaluated: 2018-02-01. Review status: criteria provided, single submitter. Criteria: ACMG Guidelines, 2015. Collection method: clinical testing. Allele origin: germline. Affected: yes.

NM_001199138.2(NLRC4):c.2716G>A (p.Val906Ile)

Gene: NLRC4 (NLR family CARD domain containing 4; minus strand). Cytogenetic location: 2p22.3.
Variant type: single nucleotide variant.
Coding change: c.2716G>A on transcript NM_001199138.2 (MANE Select); coding-DNA position 2716, G replaced by A.
Protein change: p.Val906Ile; replaces valine 906 with isoleucine.
Molecular consequence: missense variant.
Genome position (GRCh38, 1-based): chr2:32,235,467, C>T on the plus strand (G>A on the coding strand, the complement: NLRC4 is on the minus strand). VCF-style: chr2-32235467-C-T. GRCh37 (hg19) VCF-style: chr2-32460536-C-T.
Other names: c.2716G>A, p.Val906Ile (NM_001199139.2, NM_021209.5); c.721G>A, p.Val241Ile (NM_001302504.2); short protein forms V241I, V906I.
Identifiers: ClinVar variation 1694375 (VCV001694375.9), dbSNP rs745846903, ClinGen allele CA1601722.
Genomic context (GRCh38, chr2:32,235,467, plus strand): 5'-TTCTAATCTCTGTATCTGTGAGTCTCCAGTTTTTCAACCCAAGCTTGACGAGTTGTGGGA[C>T]CTCCTCCAAATGTTTCAACAGGCTGCTCAGGCTGCCTTGCACGTCACAGCCCCAGGGCAG-3'
Protein context (NP_001186067.1, residues 896-916): LSSLLKHLEE[Val906Ile]PQLVKLGLKN